The following is an entry in ClinVar:

ClinVar aggregate classification (germline): Uncertain significance. Review status: criteria provided, multiple submitters, no conflicts (2 of 4 stars). 3 submissions from 3 submitters: Uncertain significance (3). Last evaluated 2026-07-01.

Conditions:
Hereditary cancer-predisposing syndrome. Also called: Tumor predisposition; Hereditary Cancer Syndrome; Neoplastic Syndromes, Hereditary; Hereditary neoplastic syndrome. Identifiers: Orphanet 140162, MedGen C0027672, MeSH D009386, MONDO:0015356.

Submissions (3):

CeGaT Center for Human Genetics Tuebingen
Classification: Uncertain significance. Last evaluated: 2026-07-01. Review status: criteria provided, single submitter. Criteria: CeGaT Center For Human Genetics Tuebingen Variant Classification Criteria Version 2. Collection method: clinical testing. Allele origin: germline. Affected: yes. Observed: 1 variant allele.
Comment: AXIN2: PM2

Ambry Genetics
Classification: Uncertain significance for Hereditary cancer-predisposing syndrome. Last evaluated: 2023-08-31. Review status: criteria provided, single submitter. Criteria: Ambry Variant Classification Scheme 2023. Collection method: clinical testing. Allele origin: germline.
Comment: The c.1384_1386delCCCinsTCT variant (also known as p.P462S), located in coding exon 5 of the AXIN2 gene, results from an in-frame deletion of CCC and insertion of TCT at nucleotide positions 1384 to 1386. This results in the substitution of the proline residue for a serine residue at codon 462, an amino acid with similar properties. This amino acid position is highly conserved in available vertebrate species. In addition, this alteration is predicted to be inconclusive by in silico analysis (Choi Y et al. PLoS ONE. 2012; 7(10):e46688). Since supporting evidence is limited at this time, the clinical significance of this alteration remains unclear.

GeneDx
Classification: Uncertain significance. Last evaluated: 2022-02-17. Review status: criteria provided, single submitter. Criteria: GeneDx Variant Classification Process June 2021. Collection method: clinical testing. Allele origin: germline. Affected: yes.
Comment: Not observed at significant frequency in large population cohorts (gnomAD); In silico analysis supports a deleterious effect on protein structure/function; Has not been previously published as pathogenic or benign to our knowledge; This variant is associated with the following publications: (PMID: 15735151)

NM_004655.4(AXIN2):c.1384_1386delinsTCT (p.Pro462Ser)

Gene: AXIN2 (axin 2; minus strand). Cytogenetic location: 17q24.1.
Variant type: Indel.
Coding change: c.1384_1386delinsTCT on transcript NM_004655.4 (MANE Select); coding-DNA positions 1384 to 1386, CCC replaced by TCT.
Protein change: p.Pro462Ser; replaces proline 462 with serine.
Molecular consequence: missense variant.
Genome position (GRCh38, 1-based): chr17:65,537,650-65,537,652, GGG replaced by AGA on the plus strand (CCC replaced by TCT on the coding strand, the reverse complement: AXIN2 is on the minus strand). VCF-style: chr17-65537650-GGG-AGA. GRCh37 (hg19) VCF-style: chr17-63533768-GGG-AGA.
Other names: c.1384_1386delCCCinsTCT (NM_004655.3); c.1384_1386delinsTCT, p.Pro462Ser (NM_001363813.1); short protein forms P462S.
Identifiers: ClinVar variation 1702712 (VCV001702712.6), dbSNP rs2144464481, ClinGen allele CA2580094988.